The following is an entry in ClinVar:

ClinVar aggregate classification (germline): Uncertain significance (1 of 4 stars; one submission).

gnomAD v4.1: 1 of 1,614,198 alleles (0.000062%); highest among the groups gnomAD compares: Non-Finnish European, 0.000085%; no homozygotes.

Submission:

GeneDx
Classification: Uncertain significance. Last evaluated: 2023-11-16. Review status: criteria provided, single submitter. Criteria: GeneDx Variant Classification Process June 2021. Collection method: clinical testing. Allele origin: germline. Affected: yes.
Comment: Not observed at significant frequency in large population cohorts (gnomAD); In silico analysis supports that this missense variant has a deleterious effect on protein structure/function; Has not been previously published as pathogenic or benign to our knowledge

NM_019842.4(KCNQ5):c.1427C>T (p.Ser476Leu)

Gene: KCNQ5 (potassium voltage-gated channel subfamily Q member 5; plus strand). Cytogenetic location: 6q13.
Variant type: single nucleotide variant.
Coding change: c.1427C>T on transcript NM_019842.4 (MANE Select); coding-DNA position 1427, C replaced by T.
Protein change: p.Ser476Leu; replaces serine 476 with leucine.
Molecular consequence: missense variant. On other transcripts: intron variant (1).
Genome position (GRCh38, 1-based): chr6:73,133,600, C>T. VCF-style: chr6-73133600-C-T. GRCh37 (hg19) VCF-style: chr6-73843323-C-T.
Other names: c.1400C>T, p.Ser467Leu (NM_001160130.2); c.1457C>T, p.Ser486Leu (NM_001160132.2); c.1484C>T, p.Ser495Leu (NM_001160133.2); c.1247+9088C>T (NM_001160134.2); short protein forms S467L, S476L, S486L, S495L.
Identifiers: ClinVar variation 3364456 (VCV003364456.1).
Genomic context (GRCh38, chr6:73,133,600, plus strand): 5'-GCAGTCCCACCAAAGTGCAGAAGAGCTGGAGCTTCAACGACCGAACCCGCTTCCGGCCCT[C>T]GCTGCGCCTCAAAAGTTCTCAGCCAAAACCAGTGATAGATGGTAAGCCCTGTTTTTCCAT-3'
Protein context (NP_062816.2, residues 466-486): SFNDRTRFRP[Ser476Leu]LRLKSSQPKP